The following is an entry in ClinVar:

ClinVar aggregate classification (germline): Uncertain significance. Review status: criteria provided, multiple submitters, no conflicts (2 of 4 stars). 2 submissions from 2 submitters: Uncertain significance (2). Last evaluated 2023-07-10.

Conditions:
MHC class II deficiency. Also called: BLS, TYPE II; Bare lymphocyte syndrome 2. Identifiers: Orphanet 572, MedGen C5447452, MONDO:0008855.
Rheumatoid arthritis (RA). Also called: RHEUMATOID ARTHRITIS, SUSCEPTIBILITY TO. Identifiers: MedGen C0003873, MONDO:0008383, OMIM 180300, HP:0001370.

Allele frequency attached by ClinVar (database versions not stated): gnomAD 0.00001 and 0.00002; TOPMed 0.00001; gnomAD exomes 0.00004; ExAC 0.00005; 1000 Genomes Project 30x 0.00016; 1000 Genomes Project 0.00020.

Submissions (2):

Labcorp Genetics (formerly Invitae), Labcorp
Classification: Uncertain significance for MHC class II deficiency. Last evaluated: 2023-07-10. Review status: criteria provided, single submitter. Criteria: Invitae Variant Classification Sherloc (09022015). Collection method: clinical testing. Allele origin: germline.
Comment: Algorithms developed to predict the effect of missense changes on protein structure and function output the following: SIFT: "Not Available"; PolyPhen-2: "Benign"; Align-GVGD: "Not Available". The serine amino acid residue is found in multiple mammalian species, which suggests that this missense change does not adversely affect protein function. In summary, the available evidence is currently insufficient to determine the role of this variant in disease. Therefore, it has been classified as a Variant of Uncertain Significance. ClinVar contains an entry for this variant (Variation ID: 1410833). This sequence change replaces proline, which is neutral and non-polar, with serine, which is neutral and polar, at codon 211 of the CIITA protein (p.Pro211Ser). This variant is present in population databases (rs201764329, gnomAD 0.01%). This variant has not been reported in the literature in individuals affected with CIITA-related conditions.

Fulgent Genetics
Classification: Uncertain significance for Rheumatoid arthritis; MHC class II deficiency 1. Last evaluated: 2021-07-15. Review status: criteria provided, single submitter. Criteria: ACMG Guidelines, 2015. Collection method: clinical testing. Allele origin: unknown.

NM_000246.4(CIITA):c.631C>T (p.Pro211Ser)

Gene: CIITA (class II major histocompatibility complex transactivator; plus strand). Cytogenetic location: 16p13.13.
Variant type: single nucleotide variant.
Coding change: c.631C>T on transcript NM_000246.4 (MANE Select); coding-DNA position 631, C replaced by T.
Protein change: p.Pro211Ser; replaces proline 211 with serine.
Molecular consequence: missense variant. On other transcripts: non-coding transcript variant (1).
Genome position (GRCh38, 1-based): chr16:10,902,660, C>T. VCF-style: chr16-10902660-C-T. GRCh37 (hg19) VCF-style: chr16-10996517-C-T.
Other names: c.634C>T, p.Pro212Ser (NM_001286402.1, NM_001379332.1); c.484C>T, p.Pro162Ser (NM_001286403.2, NM_001379331.1); c.487C>T, p.Pro163Ser (NM_001379330.1); c.631C>T, p.Pro211Ser (NM_001379333.1); c.562C>T, p.Pro188Ser (NM_001379334.1); short protein forms P162S, P163S, P211S, P188S, P212S.
Identifiers: ClinVar variation 1410833 (VCV001410833.7), dbSNP rs201764329, ClinGen allele CA7899854.